The following is an entry in ClinVar:

NM_138775.3(ALKBH8):c.103A>G (p.Ile35Val)

Gene: ALKBH8 (alkB homolog 8, tRNA methyltransferase; minus strand). Cytogenetic location: 11q22.3.
Variant type: single nucleotide variant.
Coding change: c.103A>G on transcript NM_138775.3 (MANE Select); coding-DNA position 103, A replaced by G.
Protein change: p.Ile35Val; replaces isoleucine 35 with valine.
Molecular consequence: missense variant. On other transcripts: non-coding transcript variant (6).
Genome position (GRCh38, 1-based): chr11:107,560,791, T>C on the plus strand (A>G on the coding strand, the complement: ALKBH8 is on the minus strand). VCF-style: chr11-107560791-T-C. GRCh37 (hg19) VCF-style: chr11-107431517-T-C.
Other names: c.103A>G, p.Ile35Val (NM_001301010.3, NM_001378133.1); short protein forms I35V.
Identifiers: ClinVar variation 2397479 (VCV002397479.5), dbSNP rs144686006, ClinGen allele CA6261340.

ClinVar aggregate classification (germline): Uncertain significance. Review status: criteria provided, multiple submitters, no conflicts (2 of 4 stars). 2 submissions from 2 submitters: Uncertain significance (2). Last evaluated 2025-09-06.

Allele frequency attached by ClinVar (database versions not stated): ExAC 0.00001; gnomAD exomes 0.00001; ESP Exome Variant Server 0.00008; gnomAD 0.00009; TOPMed 0.00010.
gnomAD v4.1: 30 of 1,613,048 alleles (0.0019%); highest among the groups gnomAD compares: African/African-American, 0.029%; no homozygotes.

Submissions (2):

GeneDx
Classification: Uncertain significance. Last evaluated: 2025-09-06. Review status: criteria provided, single submitter. Criteria: GeneDx Variant Classification Process June 2021. Collection method: clinical testing. Allele origin: germline.
Comment: In silico analysis suggests that this missense variant does not alter protein structure/function; Has not been previously published as pathogenic or benign to our knowledge

Ambry Genetics
Classification: Uncertain significance. Last evaluated: 2024-09-25. Review status: criteria provided, single submitter. Criteria: Ambry Variant Classification Scheme 2023. Collection method: clinical testing. Allele origin: germline.